The following is an entry in ClinVar:

ClinVar aggregate classification (germline): Pathogenic/Likely pathogenic. Review status: no assertion criteria provided (0 of 4 stars). 2 submissions from 2 submitters: Pathogenic (1); Likely pathogenic (1). Last evaluated 2023-10-18.

Conditions:
Leukoencephalopathy, hereditary diffuse, with spheroids 2 (HDLS2). Also called: LEUKOENCEPHALOPATHY, HEREDITARY DIFFUSE, WITH SPHEROIDS, SWEDISH TYPE. Identifiers: MedGen C5562044, MONDO:0030634, OMIM 619661.
Hereditary diffuse leukoencephalopathy with spheroids. Also called: LEUKOENCEPHALOPATHY, ADULT-ONSET, WITH AXONAL SPHEROIDS AND PIGMENTED GLIA. Identifiers: Orphanet 313808, MedGen C3711381, MONDO:0030796.

Submissions (2):

OMIM
Classification: Pathogenic for LEUKOENCEPHALOPATHY, HEREDITARY DIFFUSE, WITH SPHEROIDS 2 (1 family). Last evaluated: 2023-10-18. Review status: no assertion criteria provided. Collection method: literature only. Allele origin: germline.

Guerreiro-Bras Laboratory, Van Andel Institute
Classification: Likely pathogenic for Leukoencephalopathy, diffuse hereditary, with spheroids 1. Last evaluated: 2019-11-27. Review status: no assertion criteria provided. Collection method: research. Allele origin: unknown. Inheritance: Autosomal dominant inheritance. Affected: yes. Observed: 2 heterozygotes. Clinical features observed: Personality changes (HP:0000751), Abnormal pyramidal sign (HP:0007256), Hyperactivity (HP:0000752), Abnormality of extrapyramidal motor function (HP:0002071), Hemianopia (HP:0012377), Rigidity (HP:0002063), Primitive reflex (HP:0002476), Vegetative state (HP:0031358), Cheyne-Stokes respiration (HP:0012196), Leukoencephalopathy (HP:0002352), Cognitive impairment (HP:0100543), Sensory ataxia (HP:0010871), and 4 more. Segregation with disease observed.
Comment: This variant is located in the aminoacylation domain, which indicates it could have a functional impact in the protein aminoacylation activity. It was not shown to affect splicing or expression in the brain.

Literature cited by the submitters: PubMed 6595937 (cited by OMIM); PubMed 31775912 (cited by OMIM and Guerreiro-Bras Laboratory, Van Andel Institute).

NM_001605.3(AARS1):c.455G>T (p.Cys152Phe)

Gene: AARS1 (alanyl-tRNA synthetase 1; minus strand). Cytogenetic location: 16q22.1.
Variant type: single nucleotide variant.
Coding change: c.455G>T on transcript NM_001605.3 (MANE Select); coding-DNA position 455, G replaced by T.
Protein change: p.Cys152Phe; replaces cysteine 152 with phenylalanine.
Molecular consequence: missense variant.
Genome position (GRCh38, 1-based): chr16:70,276,510, C>A on the plus strand (G>T on the coding strand, the complement: AARS1 is on the minus strand). VCF-style: chr16-70276510-C-A. GRCh37 (hg19) VCF-style: chr16-70310413-C-A.
Other names: short protein forms C152F.
Identifiers: ClinVar variation 1299470 (VCV001299470.4), dbSNP rs2152166694, ClinGen allele CA396568600.